The following is an entry in ClinVar:

ClinVar aggregate classification (germline): Uncertain significance (1 of 4 stars; one submission).

Submission:

GeneDx
Classification: Uncertain significance. Last evaluated: 2024-04-12. Review status: criteria provided, single submitter. Criteria: GeneDx Variant Classification Process June 2021. Collection method: clinical testing. Allele origin: germline. Affected: yes.
Comment: Has not been previously published as pathogenic or benign to our knowledge; Not observed at significant frequency in large population cohorts (gnomAD); In silico analysis supports that this missense variant has a deleterious effect on protein structure/function

NM_207361.6(FREM2):c.4328T>C (p.Leu1443Pro)

Gene: FREM2 (FRAS1 related extracellular matrix 2; plus strand). Cytogenetic location: 13q13.3.
Variant type: single nucleotide variant.
Coding change: c.4328T>C on transcript NM_207361.6 (MANE Select); coding-DNA position 4328, T replaced by C.
Protein change: p.Leu1443Pro; replaces leucine 1443 with proline.
Molecular consequence: missense variant.
Genome position (GRCh38, 1-based): chr13:38,691,672, T>C. VCF-style: chr13-38691672-T-C. GRCh37 (hg19) VCF-style: chr13-39265809-T-C.
Other names: short protein forms L1443P.
Identifiers: ClinVar variation 3372016 (VCV003372016.1).